The following is an entry in ClinVar:

ClinVar aggregate classification (germline): Benign (1 of 4 stars; one submission).

Conditions:
Ehlers-Danlos syndrome, classic type (cEDS). Identifiers: Orphanet 287, MedGen C4225429, MONDO:0007522.

Allele frequency attached by ClinVar (database versions not stated): gnomAD 0.00023 and 0.00034; TOPMed 0.00034; gnomAD exomes 0.00052; 1000 Genomes Project 0.00160; 1000 Genomes Project 30x 0.00187.
gnomAD v4.1: 527 of 990,510 alleles (0.053%); highest among the groups gnomAD compares: East Asian, 1.2%; 7 homozygotes.

Submissions (2):

Illumina Laboratory Services, Illumina
Classification: Benign for Ehlers-Danlos syndrome, classic type, 1. Last evaluated: 2018-01-13. Review status: criteria provided, single submitter. Criteria: ICSL Variant Classification Criteria 13 December 2019. Collection method: clinical testing. Allele origin: germline.
Comment: This variant was observed in the ICSL laboratory as part of a predisposition screen in an ostensibly healthy population. It had not been previously curated by ICSL or reported in the Human Gene Mutation Database (HGMD: prior to June 1st, 2018), and was therefore a candidate for classification through an automated scoring system. Utilizing variant allele frequency, disease prevalence and penetrance estimates, and inheritance mode, an automated score was calculated to assess if this variant is too frequent to cause the disease. Based on the score and internal cut-off values, a variant classified as benign is not then subjected to further curation. The score for this variant resulted in a classification of benign for this disease.

Dr. Peter K. Rogan Lab, Western University
No classification provided (evidence only). Condition: Thymoma. Review status: no classification provided. Collection method: in vitro. Allele origin: not applicable. Functional consequence: retained intron. Not counted in ClinVar's aggregate classification.

NM_000093.5(COL5A1):c.*145G>A

Genes: COL5A1 (collagen type V alpha 1 chain; plus strand), LOC101448202 (uncharacterized LOC101448202; minus strand). Cytogenetic location: 9q34.3.
Variant type: single nucleotide variant.
Coding change: c.*145G>A on transcript NM_000093.5 (MANE Select); 145 bases downstream of the stop codon, G replaced by A.
Molecular consequence: 3 prime UTR variant.
Genome position (GRCh38, 1-based): chr9:134,842,448, G>A. VCF-style: chr9-134842448-G-A. GRCh37 (hg19) VCF-style: chr9-137734294-G-A.
Other names: NC_000009.11:g.137734294G>A; c.*145G>A (NM_001278074.1).
Identifiers: ClinVar variation 365742 (VCV000365742.8), dbSNP rs181323324, ClinGen allele CA10626810.